The following is an entry in ClinVar:

ClinVar aggregate classification (germline): Uncertain significance. Review status: criteria provided, multiple submitters, no conflicts (2 of 4 stars). 2 submissions from 2 submitters: Uncertain significance (2). Last evaluated 2025-11-05.

Conditions:
Inborn genetic diseases. Identifiers: MedGen C0950123, MeSH D030342.

Allele frequency attached by ClinVar (database versions not stated): gnomAD 0.00011; TOPMed 0.00011; ESP Exome Variant Server 0.00023; gnomAD exomes 0.00026; ExAC 0.00045.
gnomAD v4.1: 396 of 1,607,912 alleles (0.025%); highest among the groups gnomAD compares: Non-Finnish European, 0.031%; no homozygotes.

Submissions (2):

Ambry Genetics
Classification: Uncertain significance for Inborn genetic diseases. Last evaluated: 2025-11-05. Review status: criteria provided, single submitter. Criteria: Ambry Variant Classification Scheme 2023. Collection method: clinical testing. Allele origin: germline.

Labcorp Genetics (formerly Invitae), Labcorp
Classification: Uncertain significance. Last evaluated: 2025-01-13. Review status: criteria provided, single submitter. Criteria: Invitae Variant Classification Sherloc (09022015). Collection method: clinical testing. Allele origin: germline.
Comment: This sequence change replaces tyrosine, which is neutral and polar, with cysteine, which is neutral and slightly polar, at codon 799 of the DHX37 protein (p.Tyr799Cys). This variant is present in population databases (rs147727115, gnomAD 0.06%). This variant has not been reported in the literature in individuals affected with DHX37-related conditions. ClinVar contains an entry for this variant (Variation ID: 2191006). Invitae Evidence Modeling of protein sequence and biophysical properties (such as structural, functional, and spatial information, amino acid conservation, physicochemical variation, residue mobility, and thermodynamic stability) indicates that this missense variant is expected to disrupt DHX37 protein function with a positive predictive value of 80%. In summary, the available evidence is currently insufficient to determine the role of this variant in disease. Therefore, it has been classified as a Variant of Uncertain Significance.

NM_032656.4(DHX37):c.2396A>G (p.Tyr799Cys)

Gene: DHX37 (DEAH-box helicase 37; minus strand). Cytogenetic location: 12q24.31.
Variant type: single nucleotide variant.
Coding change: c.2396A>G on transcript NM_032656.4 (MANE Select); coding-DNA position 2396, A replaced by G.
Protein change: p.Tyr799Cys; replaces tyrosine 799 with cysteine.
Molecular consequence: missense variant.
Genome position (GRCh38, 1-based): chr12:124,956,748, T>C on the plus strand (A>G on the coding strand, the complement: DHX37 is on the minus strand). VCF-style: chr12-124956748-T-C. GRCh37 (hg19) VCF-style: chr12-125441294-T-C.
Other names: c.2396A>G (NM_032656.3); short protein forms Y799C.
Identifiers: ClinVar variation 2191006 (VCV002191006.7), dbSNP rs147727115, ClinGen allele CA6871653.